The following is an entry in ClinVar:

NM_004281.4(BAG3):c.770C>T (p.Pro257Leu)

Gene: BAG3 (BAG cochaperone 3; plus strand). Cytogenetic location: 10q26.11.
Variant type: single nucleotide variant.
Coding change: c.770C>T on transcript NM_004281.4 (MANE Select); coding-DNA position 770, C replaced by T.
Protein change: p.Pro257Leu; replaces proline 257 with leucine.
Molecular consequence: missense variant.
Genome position (GRCh38, 1-based): chr10:119,672,517, C>T. VCF-style: chr10-119672517-C-T. GRCh37 (hg19) VCF-style: chr10-121432029-C-T.
Other names: short protein forms P257L.
Identifiers: ClinVar variation 843984 (VCV000843984.9), dbSNP rs765142940, ClinGen allele CA5716406.

ClinVar aggregate classification (germline): Uncertain significance (1 of 4 stars; one submission).

Conditions:
Dilated cardiomyopathy 1HH (CMD1HH). Identifiers: Orphanet 154, MedGen C3151293, MONDO:0013479, OMIM 613881.
Myofibrillar myopathy 6. Identifiers: Orphanet 199340, MedGen C2751831, MONDO:0013061, OMIM 612954.

Allele frequency attached by ClinVar (database versions not stated): gnomAD exomes below 0.00001; ExAC 0.00001; gnomAD 0.00001.

Submission:

Labcorp Genetics (formerly Invitae), Labcorp
Classification: Uncertain significance for Dilated cardiomyopathy 1HH; Myofibrillar myopathy 6. Last evaluated: 2023-02-24. Review status: criteria provided, single submitter. Criteria: Invitae Variant Classification Sherloc (09022015). Collection method: clinical testing. Allele origin: germline.
Comment: This variant has not been reported in the literature in individuals affected with BAG3-related conditions. This variant is present in population databases (rs765142940, gnomAD 0.004%). This sequence change replaces proline, which is neutral and non-polar, with leucine, which is neutral and non-polar, at codon 257 of the BAG3 protein (p.Pro257Leu). ClinVar contains an entry for this variant (Variation ID: 843984). In summary, the available evidence is currently insufficient to determine the role of this variant in disease. Therefore, it has been classified as a Variant of Uncertain Significance. Advanced modeling of protein sequence and biophysical properties (such as structural, functional, and spatial information, amino acid conservation, physicochemical variation, residue mobility, and thermodynamic stability) performed at Invitae indicates that this missense variant is not expected to disrupt BAG3 protein function.